The following is an entry in ClinVar:

ClinVar aggregate classification (germline): Uncertain significance (1 of 4 stars; one submission).

Conditions:
Familial adenomatous polyposis 1 (FAP1). Also called: POLYPOSIS, ADENOMATOUS INTESTINAL; FAMILIAL ADENOMATOUS POLYPOSIS 1, ATTENUATED. Identifiers: MedGen C2713442, MONDO:0021056, OMIM 175100. Disease mechanism: loss of function.

gnomAD v4.1: 1 of 1,567,626 alleles (0.000064%); highest among the groups gnomAD compares: Non-Finnish European, 0.000087%; no homozygotes.

Submission:

Labcorp Genetics (formerly Invitae), Labcorp
Classification: Uncertain significance for Familial adenomatous polyposis 1. Last evaluated: 2024-07-04. Review status: criteria provided, single submitter. Criteria: Invitae Variant Classification Sherloc (09022015). Collection method: clinical testing. Allele origin: germline.
Comment: This sequence change replaces leucine, which is neutral and non-polar, with phenylalanine, which is neutral and non-polar, at codon 172 of the APC protein (p.Leu172Phe). This variant is not present in population databases (gnomAD no frequency). This variant has not been reported in the literature in individuals affected with APC-related conditions. Advanced modeling of protein sequence and biophysical properties (such as structural, functional, and spatial information, amino acid conservation, physicochemical variation, residue mobility, and thermodynamic stability) performed at Invitae indicates that this missense variant is not expected to disrupt APC protein function with a negative predictive value of 95%. In summary, the available evidence is currently insufficient to determine the role of this variant in disease. Therefore, it has been classified as a Variant of Uncertain Significance.

NM_000038.6(APC):c.514C>T (p.Leu172Phe)

Gene: APC (APC regulator of Wnt signaling pathway; plus strand). Cytogenetic location: 5q22.2.
Variant type: single nucleotide variant.
Coding change: c.514C>T on transcript NM_000038.6 (MANE Select); coding-DNA position 514, C replaced by T.
Protein change: p.Leu172Phe; replaces leucine 172 with phenylalanine.
Molecular consequence: missense variant. On other transcripts: 5 prime UTR variant (4), non-coding transcript variant (2).
Genome position (GRCh38, 1-based): chr5:112,775,720, C>T. VCF-style: chr5-112775720-C-T. GRCh37 (hg19) VCF-style: chr5-112111417-C-T.
Other names: c.514C>T, p.Leu172Phe (NM_001127510.3, NM_001354895.2, NM_001354896.2 and 16 more transcripts); c.544C>T, p.Leu182Phe (NM_001127511.3, NM_001354897.2, NM_001354902.2 and 1 more transcripts); c.439C>T, p.Leu147Phe (NM_001354898.2, NM_001354904.2, NM_001407451.1); c.337C>T, p.Leu113Phe (NM_001354900.2, NM_001354901.2, NM_001354905.2 and 1 more transcripts); c.-522C>T (NM_001354906.2, NM_001407470.1, NM_001407471.1 and 1 more transcripts); short protein forms L147F, L172F, L113F, L182F.
Identifiers: ClinVar variation 3688382 (VCV003688382.2).